The following is an entry in ClinVar:

ClinVar aggregate classification (germline): Uncertain significance. Review status: criteria provided, multiple submitters, no conflicts (2 of 4 stars). 2 submissions from 2 submitters: Uncertain significance (2). Last evaluated 2025-01-27.

Conditions:
Emery-Dreifuss muscular dystrophy 5, autosomal dominant (EDMD5). Also called: EMERY-DREIFUSS MUSCULAR DYSTROPHY 5. Identifiers: Orphanet 261, MedGen C2751805, MONDO:0013072, OMIM 612999.

Allele frequency attached by ClinVar (database versions not stated): ExAC 0.00001; gnomAD 0.00003; gnomAD exomes 0.00007; TOPMed below 0.00001.
gnomAD v4.1: 44 of 1,613,904 alleles (0.0027%); highest among the groups gnomAD compares: East Asian, 0.089%; no homozygotes.

Submissions (2):

Labcorp Genetics (formerly Invitae), Labcorp
Classification: Uncertain significance for Emery-Dreifuss muscular dystrophy 5, autosomal dominant. Last evaluated: 2025-01-27. Review status: criteria provided, single submitter. Criteria: Invitae Variant Classification Sherloc (09022015). Collection method: clinical testing. Allele origin: germline.
Comment: This sequence change replaces lysine, which is basic and polar, with glutamic acid, which is acidic and polar, at codon 882 of the SYNE2 protein (p.Lys882Glu). This variant is present in population databases (rs780484883, gnomAD 0.006%). This variant has not been reported in the literature in individuals affected with SYNE2-related conditions. ClinVar contains an entry for this variant (Variation ID: 2436869). An algorithm developed to predict the effect of missense changes on protein structure and function (PolyPhen-2) suggests that this variant is likely to be disruptive. In summary, the available evidence is currently insufficient to determine the role of this variant in disease. Therefore, it has been classified as a Variant of Uncertain Significance.

Revvity Omics, Revvity
Classification: Uncertain significance for Emery-Dreifuss muscular dystrophy 5, autosomal dominant. Last evaluated: 2020-11-10. Review status: criteria provided, single submitter. Criteria: ACMG Guidelines, 2015. Collection method: clinical testing. Allele origin: germline.

NM_182914.3(SYNE2):c.2644A>G (p.Lys882Glu)

Gene: SYNE2 (spectrin repeat containing nuclear envelope protein 2; plus strand). Cytogenetic location: 14q23.2.
Variant type: single nucleotide variant.
Coding change: c.2644A>G on transcript NM_182914.3 (MANE Select); coding-DNA position 2644, A replaced by G.
Protein change: p.Lys882Glu; replaces lysine 882 with glutamic acid.
Molecular consequence: missense variant.
Genome position (GRCh38, 1-based): chr14:63,991,113, A>G. VCF-style: chr14-63991113-A-G. GRCh37 (hg19) VCF-style: chr14-64457831-A-G.
Other names: c.2644A>G, p.Lys882Glu (NM_015180.6); short protein forms K882E.
Identifiers: ClinVar variation 2436869 (VCV002436869.5), dbSNP rs780484883, ClinGen allele CA7219742.